The following is an entry in ClinVar:

NM_032520.5(GNPTG):c.824-33C>T

Gene: GNPTG (N-acetylglucosamine-1-phosphate transferase subunit gamma; plus strand). Cytogenetic location: 16p13.3.
Variant type: single nucleotide variant.
Coding change: c.824-33C>T on transcript NM_032520.5 (MANE Select); 33 bases into the intron before coding-DNA position 824, C replaced by T.
Molecular consequence: intron variant.
Genome position (GRCh38, 1-based): chr16:1,362,964, C>T. VCF-style: chr16-1362964-C-T. GRCh37 (hg19) VCF-style: chr16-1412965-C-T.
Identifiers: ClinVar variation 1707322 (VCV001707322.2), dbSNP rs73487807, ClinGen allele CA7807980.

ClinVar aggregate classification (germline): Likely benign (1 of 4 stars; one submission).

Allele frequency attached by ClinVar (database versions not stated): 1000 Genomes Project 0.00599; TOPMed 0.00697; ESP Exome Variant Server 0.00739; 1000 Genomes Project 30x 0.00750.

Submission:

GeneDx
Classification: Likely benign. Last evaluated: 2018-12-31. Review status: criteria provided, single submitter. Criteria: GeneDx Variant Classification Process June 2021. Collection method: clinical testing. Allele origin: germline. Affected: yes.
Comment: See Variant Classification Assertion Criteria.